The following is an entry in ClinVar:

ClinVar aggregate classification (germline): Benign. Review status: criteria provided, multiple submitters, no conflicts (2 of 4 stars). 2 submissions from 2 submitters: Benign (2). Last evaluated 2018-06-18.

Allele frequency attached by ClinVar (database versions not stated): TOPMed 0.34047; gnomAD 0.37464; 1000 Genomes Project 0.40296.

Submissions (2):

GeneDx
Classification: Benign. Last evaluated: 2018-06-18. Review status: criteria provided, single submitter. Criteria: GeneDx Variant Classification (06012015). Collection method: clinical testing. Allele origin: germline. Affected: yes.
Comment: This variant is considered likely benign or benign based on one or more of the following criteria: it is a conservative change, it occurs at a poorly conserved position in the protein, it is predicted to be benign by multiple in silico algorithms, and/or has population frequency not consistent with disease.

Breakthrough Genomics
Classification: Benign. Review status: criteria provided, single submitter. Criteria: ACMG Guidelines, 2015. Collection method: not provided. Allele origin: germline. Inheritance: Unknown mechanism. Affected: yes.

NM_002907.4(RECQL):c.1667+53T>A

Gene: RECQL (RecQ like helicase; minus strand). Cytogenetic location: 12p12.1.
Variant type: single nucleotide variant.
Coding change: c.1667+53T>A on transcript NM_002907.4 (MANE Select); 53 bases into the intron after coding-DNA position 1667, T replaced by A.
Molecular consequence: intron variant.
Genome position (GRCh38, 1-based): chr12:21,471,375, A>T on the plus strand (T>A on the coding strand, the complement: RECQL is on the minus strand). VCF-style: chr12-21471375-A-T. GRCh37 (hg19) VCF-style: chr12-21624309-A-T.
Other names: c.1667+53T>A (NM_032941.3).
Identifiers: ClinVar variation 679695 (VCV000679695.2), dbSNP rs11046076, ClinGen allele CA233565097.